The following is an entry in ClinVar:

ClinVar aggregate classification (germline): Uncertain significance (1 of 4 stars; one submission).

Conditions:
Developmental and epileptic encephalopathy, 12 (DEE12). Identifiers: MedGen C3150988, MONDO:0013389, OMIM 613722.

Allele frequency attached by ClinVar (database versions not stated): gnomAD exomes below 0.00001; TOPMed 0.00002; ESP Exome Variant Server 0.00008.
gnomAD v4.1: 1 of 1,613,960 alleles (0.000062%); highest among the groups gnomAD compares: African/African-American, 0.0013%; no homozygotes.

Submission:

Labcorp Genetics (formerly Invitae), Labcorp
Classification: Uncertain significance for Developmental and epileptic encephalopathy, 12. Last evaluated: 2022-06-27. Review status: criteria provided, single submitter. Criteria: Invitae Variant Classification Sherloc (09022015). Collection method: clinical testing. Allele origin: germline.
Comment: Algorithms developed to predict the effect of missense changes on protein structure and function are either unavailable or do not agree on the potential impact of this missense change (SIFT: "Deleterious"; PolyPhen-2: "Probably Damaging"; Align-GVGD: "Class C0"). This variant has not been reported in the literature in individuals affected with PLCB1-related conditions. This variant is not present in population databases (gnomAD no frequency). This sequence change replaces leucine, which is neutral and non-polar, with proline, which is neutral and non-polar, at codon 933 of the PLCB1 protein (p.Leu933Pro). In summary, the available evidence is currently insufficient to determine the role of this variant in disease. Therefore, it has been classified as a Variant of Uncertain Significance.

NM_015192.4(PLCB1):c.2798T>C (p.Leu933Pro)

Gene: PLCB1 (phospholipase C beta 1; plus strand). Cytogenetic location: 20p12.3.
Variant type: single nucleotide variant.
Coding change: c.2798T>C on transcript NM_015192.4 (MANE Select); coding-DNA position 2798, T replaced by C.
Protein change: p.Leu933Pro; replaces leucine 933 with proline.
Molecular consequence: missense variant.
Genome position (GRCh38, 1-based): chr20:8,765,226, T>C. VCF-style: chr20-8765226-T-C. GRCh37 (hg19) VCF-style: chr20-8745873-T-C.
Other names: c.2798T>C, p.Leu933Pro (NM_182734.3); short protein forms L933P.
Identifiers: ClinVar variation 1491445 (VCV001491445.8), dbSNP rs147191017, ClinGen allele CA311262916.